The following is an entry in ClinVar:

ClinVar aggregate classification (germline): Likely benign. Review status: criteria provided, multiple submitters, no conflicts (2 of 4 stars). 2 submissions from 2 submitters: Likely benign (2). Last evaluated 2024-07-05.

Allele frequency attached by ClinVar (database versions not stated): gnomAD 0.00001 and 0.00005; TOPMed 0.00002; ExAC 0.00015; 1000 Genomes Project 30x 0.00016; gnomAD exomes 0.00018; 1000 Genomes Project 0.00020.
gnomAD v4.1: 123 of 1,546,474 alleles (0.008%); highest among the groups gnomAD compares: South Asian, 0.12%; 1 homozygote.

Submissions (2):

Blueprint Genetics
Classification: Likely benign. Last evaluated: 2024-07-05. Review status: criteria provided, single submitter. Criteria: ACMG Guidelines, 2015. Collection method: clinical testing. Allele origin: germline.

GeneDx
Classification: Likely benign. Last evaluated: 2016-07-21. Review status: criteria provided, single submitter. Criteria: GeneDx Variant Classification (06012015). Collection method: clinical testing. Allele origin: germline. Affected: yes.
Comment: This variant is considered likely benign or benign based on one or more of the following criteria: it is a conservative change, it occurs at a poorly conserved position in the protein, it is predicted to be benign by multiple in silico algorithms, and/or has population frequency not consistent with disease.

NM_001003800.2(BICD2):c.*20G>A

Gene: BICD2 (BICD cargo adaptor 2; minus strand). Cytogenetic location: 9q22.31.
Variant type: single nucleotide variant.
Coding change: c.*20G>A on transcript NM_001003800.2 (MANE Select); 20 bases downstream of the stop codon, G replaced by A.
Molecular consequence: 3 prime UTR variant. On other transcripts: intron variant (1).
Genome position (GRCh38, 1-based): chr9:92,715,134, C>T on the plus strand (G>A on the coding strand, the complement: BICD2 is on the minus strand). VCF-style: chr9-92715134-C-T. GRCh37 (hg19) VCF-style: chr9-95477416-C-T.
Other names: c.2469+119G>A (NM_015250.4).
Identifiers: ClinVar variation 387216 (VCV000387216.2), dbSNP rs528694770, ClinGen allele CA5126258.